The following is an entry in ClinVar:

ClinVar aggregate classification (germline): Uncertain significance (1 of 4 stars; one submission).

Conditions:
Chédiak-Higashi syndrome (CHS). Also called: Chediak-Higashi Syndrome. Identifiers: Orphanet 167, MedGen C0007965, MONDO:0008963, OMIM 214500.

Allele frequency attached by ClinVar (database versions not stated): gnomAD exomes below 0.00001.
gnomAD v4.1: 2 of 1,612,810 alleles (0.00012%); highest among the groups gnomAD compares: Admixed American, 0.0033%; no homozygotes.

Submission:

Labcorp Genetics (formerly Invitae), Labcorp
Classification: Uncertain significance for Chédiak-Higashi syndrome. Last evaluated: 2022-07-16. Review status: criteria provided, single submitter. Criteria: Invitae Variant Classification Sherloc (09022015). Collection method: clinical testing. Allele origin: germline.
Comment: This sequence change replaces isoleucine, which is neutral and non-polar, with valine, which is neutral and non-polar, at codon 783 of the LYST protein (p.Ile783Val). This variant is present in population databases (no rsID available, gnomAD 0.006%). This variant has not been reported in the literature in individuals affected with LYST-related conditions. ClinVar contains an entry for this variant (Variation ID: 1432792). Algorithms developed to predict the effect of missense changes on protein structure and function output the following: SIFT: "Tolerated"; PolyPhen-2: "Benign"; Align-GVGD: "Class C0". The valine amino acid residue is found in multiple mammalian species, which suggests that this missense change does not adversely affect protein function. In summary, the available evidence is currently insufficient to determine the role of this variant in disease. Therefore, it has been classified as a Variant of Uncertain Significance.

NM_000081.4(LYST):c.2347A>G (p.Ile783Val)

Gene: LYST (lysosomal trafficking regulator; minus strand). Cytogenetic location: 1q42.3.
Variant type: single nucleotide variant.
Coding change: c.2347A>G on transcript NM_000081.4 (MANE Select); coding-DNA position 2347, A replaced by G.
Protein change: p.Ile783Val; replaces isoleucine 783 with valine.
Molecular consequence: missense variant.
Genome position (GRCh38, 1-based): chr1:235,808,471, T>C on the plus strand (A>G on the coding strand, the complement: LYST is on the minus strand). VCF-style: chr1-235808471-T-C. GRCh37 (hg19) VCF-style: chr1-235971771-T-C.
Other names: c.2347A>G, p.Ile783Val (NM_001301365.1); short protein forms I783V.
Identifiers: ClinVar variation 1432792 (VCV001432792.3), dbSNP rs1303870117, ClinGen allele CA344958492.